The following is an entry in ClinVar:

NM_000143.4(FH):c.1289T>A (p.Phe430Tyr)

Gene: FH (fumarate hydratase; minus strand). Cytogenetic location: 1q43.
Variant type: single nucleotide variant.
Coding change: c.1289T>A on transcript NM_000143.4 (MANE Select); coding-DNA position 1289, T replaced by A.
Protein change: p.Phe430Tyr; replaces phenylalanine 430 with tyrosine.
Molecular consequence: missense variant.
Genome position (GRCh38, 1-based): chr1:241,500,538, A>T on the plus strand (T>A on the coding strand, the complement: FH is on the minus strand). VCF-style: chr1-241500538-A-T. GRCh37 (hg19) VCF-style: chr1-241663838-A-T.
Other names: short protein forms F430Y.
Identifiers: ClinVar variation 2048746 (VCV002048746.5), dbSNP rs2147913243, ClinGen allele CA345436751.

ClinVar aggregate classification (germline): Uncertain significance. Review status: criteria provided, multiple submitters, no conflicts (2 of 4 stars). 2 submissions from 2 submitters: Uncertain significance (2). Last evaluated 2024-11-28.

Conditions:
Hereditary cancer-predisposing syndrome. Also called: Hereditary neoplastic syndrome; Neoplastic Syndromes, Hereditary; Tumor predisposition; Hereditary Cancer Syndrome. Identifiers: Orphanet 140162, MedGen C0027672, MeSH D009386, MONDO:0015356.

Submissions (2):

Ambry Genetics
Classification: Uncertain significance for Hereditary cancer-predisposing syndrome. Last evaluated: 2024-11-28. Review status: criteria provided, single submitter. Criteria: Ambry Variant Classification Scheme 2023. Collection method: clinical testing. Allele origin: germline.
Comment: The p.F430Y variant (also known as c.1289T>A), located in coding exon 9 of the FH gene, results from a T to A substitution at nucleotide position 1289. The phenylalanine at codon 430 is replaced by tyrosine, an amino acid with highly similar properties. This amino acid position is conserved. In addition, this alteration is predicted to be deleterious by in silico analysis. Based on the available evidence, the clinical significance of this variant remains unclear.

Labcorp Genetics (formerly Invitae), Labcorp
Classification: Uncertain significance. Last evaluated: 2022-09-06. Review status: criteria provided, single submitter. Criteria: Invitae Variant Classification Sherloc (09022015). Collection method: clinical testing. Allele origin: germline.
Comment: This variant has not been reported in the literature in individuals affected with FH-related conditions. This variant is not present in population databases (gnomAD no frequency). This sequence change replaces phenylalanine, which is neutral and non-polar, with tyrosine, which is neutral and polar, at codon 430 of the FH protein (p.Phe430Tyr). Advanced modeling of protein sequence and biophysical properties (such as structural, functional, and spatial information, amino acid conservation, physicochemical variation, residue mobility, and thermodynamic stability) performed at Invitae indicates that this missense variant is expected to disrupt FH protein function. In summary, the available evidence is currently insufficient to determine the role of this variant in disease. Therefore, it has been classified as a Variant of Uncertain Significance.